The following is an entry in ClinVar:

NM_001367479.1(DNAH14):c.9604A>C (p.Asn3202His)

Gene: DNAH14 (dynein axonemal heavy chain 14; plus strand). Cytogenetic location: 1q42.12.
Variant type: single nucleotide variant.
Coding change: c.9604A>C on transcript NM_001367479.1 (MANE Select); coding-DNA position 9604, A replaced by C.
Protein change: p.Asn3202His; replaces asparagine 3202 with histidine.
Molecular consequence: missense variant.
Genome position (GRCh38, 1-based): chr1:225,324,330, A>C. VCF-style: chr1-225324330-A-C. GRCh37 (hg19) VCF-style: chr1-225512032-A-C.
Other names: NM_001373.1:c.9325A>C; short protein forms N3202H.
Identifiers: ClinVar variation 3371793 (VCV003371793.2).
Genomic context (GRCh38, chr1:225,324,330, plus strand): 5'-CACAAGATTTCGCTGGTTTCTGTTGCTTGTTGCTCCCTGTGCCAGTGGGTTATAGCTTTG[A>C]ATAACTACCATGAAGTACAGAAGGTATGCTTTTCCTCCTAAACATCTGTCATGATTTGGA-3'
Protein context (NP_001354408.1, residues 3192-3212): CSLCQWVIAL[Asn3202His]NYHEVQKVVG

ClinVar aggregate classification (germline): Uncertain significance (1 of 4 stars; one submission).

Submission:

GeneDx
Classification: Uncertain significance. Last evaluated: 2025-01-09. Review status: criteria provided, single submitter. Criteria: GeneDx Variant Classification Process June 2021. Collection method: clinical testing. Allele origin: germline. Affected: yes.
Comment: Not observed at significant frequency in large population cohorts (gnomAD); In silico analysis supports that this missense variant has a deleterious effect on protein structure/function; Has not been previously published as pathogenic or benign to our knowledge